The following is an entry in ClinVar:

NM_001013703.4(EIF2AK4):c.3408-2A>G

Gene: EIF2AK4 (eukaryotic translation initiation factor 2 alpha kinase 4; plus strand). Cytogenetic location: 15q15.1.
Variant type: single nucleotide variant.
Coding change: c.3408-2A>G on transcript NM_001013703.4 (MANE Select); the canonical splice acceptor site of the intron before coding-DNA position 3408, A replaced by G.
Molecular consequence: splice acceptor variant.
Genome position (GRCh38, 1-based): chr15:40,008,025, A>G. VCF-style: chr15-40008025-A-G. GRCh37 (hg19) VCF-style: chr15-40300226-A-G.
Identifiers: ClinVar variation 3648047 (VCV003648047.2).
Genomic context (GRCh38, chr15:40,008,025, plus strand): 5'-TTTCTTATACATATTTCTTTCTAGTAAGCAATGACCTTAGAAATCTGGGTTTCTCTCTCC[A>G]GATACTGCATAGAACGTGTGTTCAGGCCGCGCAAGTTAGATCGATTTCATCCCAAAGAAC-3'

ClinVar aggregate classification (germline): Likely pathogenic (1 of 4 stars; one submission).

Submission:

Labcorp Genetics (formerly Invitae), Labcorp
Classification: Likely pathogenic. Last evaluated: 2024-07-18. Review status: criteria provided, single submitter. Criteria: Invitae Variant Classification Sherloc (09022015). Collection method: clinical testing. Allele origin: germline.
Comment: This sequence change affects an acceptor splice site in intron 24 of the EIF2AK4 gene. It is expected to disrupt RNA splicing. Variants that disrupt the donor or acceptor splice site typically lead to a loss of protein function (PMID: 16199547), and loss-of-function variants in EIF2AK4 are known to be pathogenic (PMID: 12215525, 24135949, 24292273, 24310610, 28972005, 29743074). This variant is not present in population databases (gnomAD no frequency). This variant has not been reported in the literature in individuals affected with EIF2AK4-related conditions. Algorithms developed to predict the effect of sequence changes on RNA splicing suggest that this variant may disrupt the consensus splice site. In summary, the currently available evidence indicates that the variant is pathogenic, but additional data are needed to prove that conclusively. Therefore, this variant has been classified as Likely Pathogenic.

Literature cited by the submitters: PubMed 16199547; PubMed 12215525; PubMed 24135949; PubMed 24292273; PubMed 24310610; PubMed 28972005; PubMed 29743074.